The following is an entry in ClinVar:

ClinVar aggregate classification (germline): Uncertain significance. Review status: criteria provided, multiple submitters, no conflicts (2 of 4 stars). 3 submissions from 3 submitters: Uncertain significance (2). 1 of the submissions does not count toward it. Last evaluated 2025-08-11.

Allele frequency attached by ClinVar (database versions not stated): TOPMed below 0.00001; gnomAD 0.00001; gnomAD exomes 0.00001 and 0.00002; ExAC 0.00002.
gnomAD v4.1: 25 of 1,613,882 alleles (0.0015%); highest among the groups gnomAD compares: Admixed American, 0.005%; no homozygotes.

Submissions (3):

Labcorp Genetics (formerly Invitae), Labcorp
Classification: Uncertain significance. Last evaluated: 2025-08-11. Review status: criteria provided, single submitter. Criteria: Invitae Variant Classification Sherloc (09022015). Collection method: clinical testing. Allele origin: germline.
Comment: This sequence change replaces glycine, which is neutral and non-polar, with serine, which is neutral and polar, at codon 1983 of the CACNA1D protein (p.Gly1983Ser). This variant is present in population databases (rs769517898, gnomAD 0.009%). This variant has not been reported in the literature in individuals affected with CACNA1D-related conditions. ClinVar contains an entry for this variant (Variation ID: 1049644). An algorithm developed to predict the effect of missense changes on protein structure and function (PolyPhen-2) suggests that this variant is likely to be disruptive. In summary, the available evidence is currently insufficient to determine the role of this variant in disease. Therefore, it has been classified as a Variant of Uncertain Significance.

GeneDx
Classification: Uncertain significance. Last evaluated: 2022-06-22. Review status: criteria provided, single submitter. Criteria: GeneDx Variant Classification Process June 2021. Collection method: clinical testing. Allele origin: germline. Affected: yes.
Comment: In silico analysis supports that this missense variant has a deleterious effect on protein structure/function; Has not been previously published as pathogenic or benign to our knowledge

Department of Pathology and Laboratory Medicine, Sinai Health System
Classification: Uncertain significance. Review status: no assertion criteria provided. Collection method: clinical testing. Allele origin: unknown. Affected: yes. Study: The Canadian Open Genetics Repository (COGR). Not counted in ClinVar's aggregate classification.
Comment: The CACNA1D p.Gly1983Ser variant was not identified in the literature nor was it identified in ClinVar or Cosmic. The variant was identified in dbSNP (ID: rs769517898) and LOVD 3.0 (classified as a VUS). The variant was identified in control databases in 6 of 249492 chromosomes at a frequency of 0.00002405 (Genome Aggregation Database March 6, 2019, v2.1.1). The variant was observed in the following populations: Latino in 3 of 34590 chromosomes (freq: 0.000087) and European (non-Finnish) in 3 of 111822 chromosomes (freq: 0.000027), but was not observed in the African, Ashkenazi Jewish, East Asian, European (Finnish), Other or South Asian populations. The variant occurs outside of the splicing consensus sequence and three out of four in silico or computational programs (MaxEntScan, NNSPLICE, GeneSplicer, SpliceSiteFinder) do not predict a difference in splicing. The p.Gly1983 residue is conserved in mammals and computational analyses (PolyPhen-2, SIFT, AlignGVGD, BLOSUM, MutationTaster) provide inconsistent predictions regarding the impact to the protein; this information is not very predictive of pathogenicity. In summary, based on the above information the clinical significance of this variant cannot be determined with certainty at this time. This variant is classified as a variant of uncertain significance.

NM_001128840.3(CACNA1D):c.5887G>A (p.Gly1963Ser)

Gene: CACNA1D (calcium voltage-gated channel subunit alpha1 D; plus strand). Cytogenetic location: 3p21.1.
Variant type: single nucleotide variant.
Coding change: c.5887G>A on transcript NM_001128840.3 (MANE Select); coding-DNA position 5887, G replaced by A.
Protein change: p.Gly1963Ser; replaces glycine 1963 with serine.
Molecular consequence: missense variant.
Genome position (GRCh38, 1-based): chr3:53,809,993, G>A. VCF-style: chr3-53809993-G-A. GRCh37 (hg19) VCF-style: chr3-53844020-G-A.
Other names: c.5947G>A, p.Gly1983Ser (NM_000720.4); c.5815G>A, p.Gly1939Ser (NM_001128839.3); short protein forms G1939S, G1963S, G1983S.
Identifiers: ClinVar variation 1049644 (VCV001049644.3), dbSNP rs769517898, ClinGen allele CA2455315.